The following is an entry in ClinVar:

NM_004100.5(EYA4):c.1061G>A (p.Arg354Lys)

Gene: EYA4 (EYA transcriptional coactivator and phosphatase 4; plus strand). Cytogenetic location: 6q23.2.
Variant type: single nucleotide variant.
Coding change: c.1061G>A on transcript NM_004100.5 (MANE Select); coding-DNA position 1061, G replaced by A.
Protein change: p.Arg354Lys; replaces arginine 354 with lysine.
Molecular consequence: missense variant.
Genome position (GRCh38, 1-based): chr6:133,481,553, G>A. VCF-style: chr6-133481553-G-A. GRCh37 (hg19) VCF-style: chr6-133802691-G-A.
Other names: c.992G>A, p.Arg331Lys (NM_001370458.1, NM_172103.4); c.917G>A, p.Arg306Lys (NM_001370459.1); c.1079G>A, p.Arg360Lys (NM_001301013.2); c.1061G>A, p.Arg354Lys (NM_172105.4); c.899G>A, p.Arg300Lys (NM_001301012.2); short protein forms R354K, R331K, R306K, R360K, R300K.
Identifiers: ClinVar variation 3655242 (VCV003655242.2).

ClinVar aggregate classification (germline): Uncertain significance (1 of 4 stars; one submission).

Conditions:
Dilated cardiomyopathy 1J (CMD1J). Also called: CARDIOMYOPATHY, DILATED, WITH SENSORINEURAL HEARING LOSS, AUTOSOMAL DOMINANT. Identifiers: Orphanet 217622, MedGen C1854368, MONDO:0011541, OMIM 605362.

gnomAD v4.1: 1 of 1,614,052 alleles (0.000062%); highest among the groups gnomAD compares: Non-Finnish European, 0.000085%; no homozygotes.

Submission:

Labcorp Genetics (formerly Invitae), Labcorp
Classification: Uncertain significance for Dilated cardiomyopathy 1J. Last evaluated: 2024-06-01. Review status: criteria provided, single submitter. Criteria: Invitae Variant Classification Sherloc (09022015). Collection method: clinical testing. Allele origin: germline.
Comment: This sequence change replaces arginine, which is basic and polar, with lysine, which is basic and polar, at codon 354 of the EYA4 protein (p.Arg354Lys). This variant is not present in population databases (gnomAD no frequency). This variant has not been reported in the literature in individuals affected with EYA4-related conditions. Advanced modeling of protein sequence and biophysical properties (such as structural, functional, and spatial information, amino acid conservation, physicochemical variation, residue mobility, and thermodynamic stability) performed at Invitae indicates that this missense variant is not expected to disrupt EYA4 protein function with a negative predictive value of 80%. In summary, the available evidence is currently insufficient to determine the role of this variant in disease. Therefore, it has been classified as a Variant of Uncertain Significance.